The following is an entry in ClinVar:

NM_032043.3(BRIP1):c.3532G>A (p.Glu1178Lys)

Gene: BRIP1 (BRCA1 interacting DNA helicase 1; minus strand). Cytogenetic location: 17q23.2.
Variant type: single nucleotide variant.
Coding change: c.3532G>A on transcript NM_032043.3 (MANE Select); coding-DNA position 3532, G replaced by A.
Protein change: p.Glu1178Lys; replaces glutamic acid 1178 with lysine.
Molecular consequence: missense variant.
Genome position (GRCh38, 1-based): chr17:61,683,514, C>T on the plus strand (G>A on the coding strand, the complement: BRIP1 is on the minus strand). VCF-style: chr17-61683514-C-T. GRCh37 (hg19) VCF-style: chr17-59760875-C-T.
Other names: short protein forms E1178K.
Identifiers: ClinVar variation 407871 (VCV000407871.12), dbSNP rs876661115, ClinGen allele CA16615759.

ClinVar aggregate classification (germline): Uncertain significance. Review status: criteria provided, multiple submitters, no conflicts (2 of 4 stars). 2 submissions from 2 submitters: Uncertain significance (2). Last evaluated 2024-09-01.

Conditions:
Hereditary cancer-predisposing syndrome. Also called: Hereditary neoplastic syndrome; Neoplastic Syndromes, Hereditary; Tumor predisposition; Hereditary Cancer Syndrome. Identifiers: Orphanet 140162, MedGen C0027672, MeSH D009386, MONDO:0015356.
Familial cancer of breast. Also called: Hereditary breast cancer; hereditary breast carcinoma; BREAST CANCER, FAMILIAL. Identifiers: Orphanet 227535, MedGen C0346153, MONDO:0016419, OMIM 114480. Disease mechanism: loss of function.
Fanconi anemia complementation group J. Also called: BRIP1-Related Fanconi Anemia. Identifiers: Orphanet 84, MedGen C1836860, MONDO:0012187, OMIM 609054.

Submissions (2):

Ambry Genetics
Classification: Uncertain significance for Hereditary cancer-predisposing syndrome. Last evaluated: 2024-09-01. Review status: criteria provided, single submitter. Criteria: Ambry Variant Classification Scheme 2023. Collection method: clinical testing. Allele origin: germline.
Comment: The p.E1178K variant (also known as c.3532G>A), located in coding exon 19 of the BRIP1 gene, results from a G to A substitution at nucleotide position 3532. The glutamic acid at codon 1178 is replaced by lysine, an amino acid with similar properties. This amino acid position is poorly conserved in available vertebrate species. In addition, this alteration is predicted to be tolerated by in silico analysis. Since supporting evidence is limited at this time, the clinical significance of this alteration remains unclear.

Labcorp Genetics (formerly Invitae), Labcorp
Classification: Uncertain significance for Familial cancer of breast; Fanconi anemia complementation group J. Last evaluated: 2021-08-28. Review status: criteria provided, single submitter. Criteria: Invitae Variant Classification Sherloc (09022015). Collection method: clinical testing. Allele origin: germline.
Comment: This sequence change replaces glutamic acid with lysine at codon 1178 of the BRIP1 protein (p.Glu1178Lys). The glutamic acid residue is weakly conserved and there is a small physicochemical difference between glutamic acid and lysine. This variant is not present in population databases (ExAC no frequency). This variant has not been reported in the literature in individuals affected with BRIP1-related conditions. Algorithms developed to predict the effect of missense changes on protein structure and function (SIFT, PolyPhen-2, Align-GVGD) all suggest that this variant is likely to be tolerated. In summary, the available evidence is currently insufficient to determine the role of this variant in disease. Therefore, it has been classified as a Variant of Uncertain Significance.